The following is an entry in ClinVar:

NM_004360.5(CDH1):c.2165-15C>T

Gene: CDH1 (cadherin 1; plus strand). Cytogenetic location: 16q22.1.
Variant type: single nucleotide variant.
Coding change: c.2165-15C>T on transcript NM_004360.5 (MANE Select); 15 bases into the intron before coding-DNA position 2165, C replaced by T.
Molecular consequence: intron variant.
Genome position (GRCh38, 1-based): chr16:68,828,159, C>T. VCF-style: chr16-68828159-C-T. GRCh37 (hg19) VCF-style: chr16-68862062-C-T.
Other names: c.617-15C>T (NM_001317185.2); c.200-15C>T (NM_001317186.2); c.1982-15C>T (NM_001317184.2).
Identifiers: ClinVar variation 3378740 (VCV003378740.1).

ClinVar aggregate classification (germline): Likely benign (1 of 4 stars; one submission).

Conditions:
Hereditary diffuse gastric adenocarcinoma (HDGC). Also called: DIFFUSE GASTRIC AND LOBULAR BREAST CANCER SYNDROME. Identifiers: Orphanet 26106, MedGen C1708349, MONDO:0007648, OMIM 137215.

Submission:

Myriad Genetics, Inc.
Classification: Likely benign for Hereditary diffuse gastric adenocarcinoma. Last evaluated: 2024-09-20. Review status: criteria provided, single submitter. Criteria: Myriad Autosomal Dominant, Autosomal Recessive and X-Linked Classification Criteria (2023). Collection method: clinical testing. Allele origin: unknown.
Comment: This variant is considered likely benign. This variant is intronic and is not expected to impact mRNA splicing.